The following is an entry in ClinVar:

NM_000188.3(HK1):c.371G>A (p.Ser124Asn)

Gene: HK1 (hexokinase 1; plus strand). Cytogenetic location: 10q22.1.
Variant type: single nucleotide variant.
Coding change: c.371G>A on transcript NM_000188.3 (MANE Select); coding-DNA position 371, G replaced by A.
Protein change: p.Ser124Asn; replaces serine 124 with asparagine.
Molecular consequence: missense variant.
Genome position (GRCh38, 1-based): chr10:69,360,041, G>A. VCF-style: chr10-69360041-G-A. GRCh37 (hg19) VCF-style: chr10-71119797-G-A.
Other names: c.383G>A, p.Ser128Asn (NM_001322364.2, NM_001358263.1, NM_033497.3 and 1 more transcripts); c.476G>A, p.Ser159Asn (NM_001322365.2); c.287G>A, p.Ser96Asn (NM_001322366.1); c.371G>A, p.Ser124Asn (NM_001322367.1); c.368G>A, p.Ser123Asn (NM_033496.3); c.335G>A, p.Ser112Asn (NM_033500.2); short protein forms S112N, S123N, S124N, S128N, S159N, S96N.
Identifiers: ClinVar variation 1163914 (VCV001163914.13), dbSNP rs774579560, ClinGen allele CA5532287.

ClinVar aggregate classification (germline): Conflicting classifications of pathogenicity. Review status: criteria provided, conflicting classifications (1 of 4 stars). 4 submissions from 4 submitters: Uncertain significance (3); Benign (1). Last evaluated 2025-04-07.

Allele frequency attached by ClinVar (database versions not stated): gnomAD exomes 0.00003 and 0.00006; ExAC 0.00006; gnomAD 0.00006.
gnomAD v4.1: 55 of 1,613,840 alleles (0.0034%); highest among the groups gnomAD compares: Non-Finnish European, 0.0026%; no homozygotes.

Submissions (4):

Labcorp Genetics (formerly Invitae), Labcorp
Classification: Uncertain significance. Last evaluated: 2025-04-07. Review status: criteria provided, single submitter. Criteria: Invitae Variant Classification Sherloc (09022015). Collection method: clinical testing. Allele origin: germline.
Comment: This sequence change replaces serine, which is neutral and polar, with asparagine, which is neutral and polar, at codon 124 of the HK1 protein (p.Ser124Asn). This variant is present in population databases (rs774579560, gnomAD 0.03%). This variant has not been reported in the literature in individuals affected with HK1-related conditions. ClinVar contains an entry for this variant (Variation ID: 1163914). Invitae Evidence Modeling of protein sequence and biophysical properties (such as structural, functional, and spatial information, amino acid conservation, physicochemical variation, residue mobility, and thermodynamic stability) indicates that this missense variant is not expected to disrupt HK1 protein function with a negative predictive value of 80%. In summary, the available evidence is currently insufficient to determine the role of this variant in disease. Therefore, it has been classified as a Variant of Uncertain Significance.

Laboratory of Genetics, Children's Clinical University Hospital Latvia
Classification: Benign. Last evaluated: 2025-02-16. Review status: criteria provided, single submitter. Criteria: ACMG Guidelines, 2015. Collection method: clinical testing. Allele origin: germline. Affected: yes.

Blueprint Genetics
Classification: Uncertain significance. Last evaluated: 2024-05-20. Review status: criteria provided, single submitter. Criteria: ACMG Guidelines, 2015. Collection method: clinical testing. Allele origin: germline.

Mayo Clinic Laboratories, Mayo Clinic
Classification: Uncertain significance. Last evaluated: 2020-01-13. Review status: criteria provided, single submitter. Criteria: ACMG Guidelines, 2015. Collection method: clinical testing. Allele origin: germline. Observed: 1 variant allele.